The following is an entry in ClinVar:

NM_002641.4(PIGA):c.783T>G (p.Ile261Met)

Gene: PIGA (phosphatidylinositol glycan anchor biosynthesis class A; minus strand). Cytogenetic location: Xp22.2.
Variant type: single nucleotide variant.
Coding change: c.783T>G on transcript NM_002641.4 (MANE Select); coding-DNA position 783, T replaced by G.
Protein change: p.Ile261Met; replaces isoleucine 261 with methionine.
Molecular consequence: missense variant. On other transcripts: non-coding transcript variant (2).
Genome position (GRCh38, 1-based): chrX:15,325,979, A>C on the plus strand (T>G on the coding strand, the complement: PIGA is on the minus strand). VCF-style: chrX-15325979-A-C. GRCh37 (hg19) VCF-style: chrX-15344101-A-C.
Other names: c.81T>G, p.Ile27Met (NM_020473.3); short protein forms I27M, I261M.
Identifiers: ClinVar variation 840437 (VCV000840437.10), dbSNP rs1921959886, ClinGen allele CA412337443.

ClinVar aggregate classification (germline): Uncertain significance (1 of 4 stars; one submission).

Conditions:
Multiple congenital anomalies-hypotonia-seizures syndrome 2 (MCAHS2). Also called: EPILEPTIC ENCEPHALOPATHY, EARLY INFANTILE, 20; GLYCOSYLPHOSPHATIDYLINOSITOL BIOSYNTHESIS DEFECT 4. Identifiers: Orphanet 300496, MedGen C3275508, MONDO:0010466, OMIM 300868.

Submission:

Labcorp Genetics (formerly Invitae), Labcorp
Classification: Uncertain significance for Multiple congenital anomalies-hypotonia-seizures syndrome 2. Last evaluated: 2023-05-22. Review status: criteria provided, single submitter. Criteria: Invitae Variant Classification Sherloc (09022015). Collection method: clinical testing. Allele origin: germline.
Comment: In summary, the available evidence is currently insufficient to determine the role of this variant in disease. Therefore, it has been classified as a Variant of Uncertain Significance. Advanced modeling of protein sequence and biophysical properties (such as structural, functional, and spatial information, amino acid conservation, physicochemical variation, residue mobility, and thermodynamic stability) performed at Invitae indicates that this missense variant is expected to disrupt PIGA protein function. ClinVar contains an entry for this variant (Variation ID: 840437). This variant has not been reported in the literature in individuals affected with PIGA-related conditions. This variant is not present in population databases (gnomAD no frequency). This sequence change replaces isoleucine, which is neutral and non-polar, with methionine, which is neutral and non-polar, at codon 261 of the PIGA protein (p.Ile261Met).